The following is an entry in ClinVar:

NM_001365999.1(SZT2):c.8930C>A (p.Pro2977Gln)

Gene: SZT2 (SZT2 subunit of KICSTOR complex; plus strand). Cytogenetic location: 1p34.2.
Variant type: single nucleotide variant.
Coding change: c.8930C>A on transcript NM_001365999.1 (MANE Select); coding-DNA position 8930, C replaced by A.
Protein change: p.Pro2977Gln; replaces proline 2977 with glutamine.
Molecular consequence: missense variant.
Genome position (GRCh38, 1-based): chr1:43,446,192, C>A. VCF-style: chr1-43446192-C-A. GRCh37 (hg19) VCF-style: chr1-43911863-C-A.
Other names: c.8759C>A, p.Pro2920Gln (NM_015284.4); short protein forms P2920Q, P2977Q.
Identifiers: ClinVar variation 965067 (VCV000965067.11), dbSNP rs761830930, ClinGen allele CA810762.
Genomic context (GRCh38, chr1:43,446,192, plus strand): 5'-CGAGGCTGGTGAGCCCCCAAACCTTGCCCCCTTTTTTGTTTCTTCAGAGCACTAGCTCTC[C>A]GGTAACCACCTACCACCTGCAGCGGGCACTGCCTGGGGGCATCATCCTCATGGAACTGGC-3'
Protein context (NP_001352928.1, residues 2967-2987): TDGSPKSTSS[Pro2977Gln]VTTYHLQRAL

ClinVar aggregate classification (germline): Uncertain significance. Review status: criteria provided, multiple submitters, no conflicts (2 of 4 stars). 4 submissions from 4 submitters: Uncertain significance (4). Last evaluated 2026-02-05.

Conditions:
Inborn genetic diseases. Identifiers: MedGen C0950123, MeSH D030342.
Developmental and epileptic encephalopathy, 18 (DEE18). Also called: Early infantile epileptic encephalopathy 18. Identifiers: Orphanet 369894, MedGen C3809624, MONDO:0014201, OMIM 615476.

Allele frequency attached by ClinVar (database versions not stated): ExAC 0.00003; TOPMed 0.00010.
gnomAD v4.1: 236 of 1,614,086 alleles (0.015%); highest among the groups gnomAD compares: Non-Finnish European, 0.02%; no homozygotes.

Submissions (4):

GeneDx
Classification: Uncertain significance. Last evaluated: 2026-02-05. Review status: criteria provided, single submitter. Criteria: GeneDx Variant Classification Process June 2021. Collection method: clinical testing. Allele origin: germline. Affected: yes.
Comment: Not observed at significant frequency in large population cohorts (gnomAD); In silico analysis suggests that this missense variant does not alter protein structure/function; Has not been previously published as pathogenic or benign to our knowledge

Labcorp Genetics (formerly Invitae), Labcorp
Classification: Uncertain significance. Last evaluated: 2024-12-28. Review status: criteria provided, single submitter. Criteria: Invitae Variant Classification Sherloc (09022015). Collection method: clinical testing. Allele origin: germline.
Comment: This sequence change replaces proline, which is neutral and non-polar, with glutamine, which is neutral and polar, at codon 2920 of the SZT2 protein (p.Pro2920Gln). This variant is present in population databases (rs761830930, gnomAD 0.01%). This variant has not been reported in the literature in individuals affected with SZT2-related conditions. ClinVar contains an entry for this variant (Variation ID: 965067). Invitae Evidence Modeling of protein sequence and biophysical properties (such as structural, functional, and spatial information, amino acid conservation, physicochemical variation, residue mobility, and thermodynamic stability) indicates that this missense variant is not expected to disrupt SZT2 protein function with a negative predictive value of 80%. In summary, the available evidence is currently insufficient to determine the role of this variant in disease. Therefore, it has been classified as a Variant of Uncertain Significance.

Genome-Nilou Lab
Classification: Uncertain significance for Developmental and epileptic encephalopathy, 18. Last evaluated: 2023-04-11. Review status: criteria provided, single submitter. Criteria: ACMG Guidelines, 2015. Collection method: clinical testing. Allele origin: germline. Affected: no.

Ambry Genetics
Classification: Uncertain significance for Inborn genetic diseases. Last evaluated: 2019-07-30. Review status: criteria provided, single submitter. Criteria: Ambry Variant Classification Scheme 2023. Collection method: clinical testing. Allele origin: germline.
Comment: The p.P2920Q variant (also known as c.8759C>A), located in coding exon 63 of the SZT2 gene, results from a C to A substitution at nucleotide position 8759. The proline at codon 2920 is replaced by glutamine, an amino acid with similar properties. This amino acid position is poorly conserved in available vertebrate species. In addition, this alteration is predicted to be tolerated by in silico analysis. Since supporting evidence is limited at this time, the clinical significance of this alteration remains unclear.